The following is an entry in ClinVar:

ClinVar aggregate classification (germline): Uncertain significance. Review status: criteria provided, multiple submitters, no conflicts (2 of 4 stars). 2 submissions from 2 submitters: Uncertain significance (2). Last evaluated 2026-04-04.

Conditions:
Senior-Loken syndrome 7 (SLSN7). Identifiers: Orphanet 3156, MedGen C3150877, MONDO:0013326, OMIM 613615.
Bardet-Biedl syndrome 16 (BBS16). Identifiers: Orphanet 110, MedGen C3889474, MONDO:0014444, OMIM 615993.
SDCCAG8-related disorder. Also called: SDCCAG8-Related Disorders; SDCCAG8-related condition.

Allele frequency attached by ClinVar (database versions not stated): gnomAD exomes below 0.00001.
gnomAD v4.1: 5 of 1,614,212 alleles (0.00031%); highest among the groups gnomAD compares: Middle Eastern, 0.016%; no homozygotes.

Submissions (2):

PreventionGenetics, part of Exact Sciences
Classification: Uncertain significance for SDCCAG8-related condition. Last evaluated: 2026-04-04. Review status: criteria provided, single submitter. Criteria: ACMG Guidelines, 2015. Collection method: clinical testing. Allele origin: germline.
Comment: The SDCCAG8 c.152C>T variant is predicted to result in the amino acid substitution p.Ser51Phe. To our knowledge, this variant has not been reported in the literature or in a large population database (gnomAD), indicating this variant is rare. At this time, the clinical significance of this variant is uncertain due to the absence of conclusive functional and genetic evidence.

Labcorp Genetics (formerly Invitae), Labcorp
Classification: Uncertain significance for Bardet-Biedl syndrome 16; Senior-Loken syndrome 7. Last evaluated: 2021-09-18. Review status: criteria provided, single submitter. Criteria: Invitae Variant Classification Sherloc (09022015). Collection method: clinical testing. Allele origin: germline.
Comment: This variant is not present in population databases (ExAC no frequency). This sequence change replaces serine with phenylalanine at codon 51 of the SDCCAG8 protein (p.Ser51Phe). The serine residue is moderately conserved and there is a large physicochemical difference between serine and phenylalanine. This variant has not been reported in the literature in individuals affected with SDCCAG8-related conditions. Algorithms developed to predict the effect of missense changes on protein structure and function are either unavailable or do not agree on the potential impact of this missense change (SIFT: "Deleterious"; PolyPhen-2: "Probably Damaging"; Align-GVGD: "Class C0"). In summary, the available evidence is currently insufficient to determine the role of this variant in disease. Therefore, it has been classified as a Variant of Uncertain Significance.

NM_006642.5(SDCCAG8):c.152C>T (p.Ser51Phe)

Gene: SDCCAG8 (SHH signaling and ciliogenesis regulator SDCCAG8; plus strand). Cytogenetic location: 1q43.
Variant type: single nucleotide variant.
Coding change: c.152C>T on transcript NM_006642.5 (MANE Select); coding-DNA position 152, C replaced by T.
Protein change: p.Ser51Phe; replaces serine 51 with phenylalanine.
Molecular consequence: missense variant. On other transcripts: 5 prime UTR variant (4).
Genome position (GRCh38, 1-based): chr1:243,270,189, C>T. VCF-style: chr1-243270189-C-T. GRCh37 (hg19) VCF-style: chr1-243433491-C-T.
Other names: c.-961C>T (NM_001350246.2); c.-849C>T (NM_001350247.2); c.152C>T, p.Ser51Phe (NM_001350248.2); c.-143C>T (NM_001350249.2); c.-1222C>T (NM_001350251.2); c.152C>T (NM_006642.3); short protein forms S51F.
Identifiers: ClinVar variation 1422206 (VCV001422206.8), dbSNP rs2067973932, ClinGen allele CA345474037.
Genomic context (GRCh38, chr1:243,270,189, plus strand): 5'-AACTGACATGTGCCCTGAAAGAAGGCGATGTCACTATTGGAGAAGATGCACCAAATCTTT[C>T]TTTTAGCACCAGTGTGGGAAATGAGGACGCCAGGACAGCCTGGCCCGAATTACAACAGAG-3'
Protein context (NP_006633.1, residues 41-61): VTIGEDAPNL[Ser51Phe]FSTSVGNEDA